The following is an entry in ClinVar:

NM_000500.9(CYP21A2):c.889A>C (p.Thr297Pro)

Genes: CYP21A2 (cytochrome P450 family 21 subfamily A member 2; plus strand), LOC106780800 (CYP21A2 recombination region; plus strand). Cytogenetic location: 6p21.33.
Variant type: single nucleotide variant.
Coding change: c.889A>C on transcript NM_000500.9 (MANE Select); coding-DNA position 889, A replaced by C.
Protein change: p.Thr297Pro; replaces threonine 297 with proline.
Molecular consequence: missense variant.
Genome position (GRCh38, 1-based): chr6:32,040,155, A>C. VCF-style: chr6-32040155-A-C. GRCh37 (hg19) VCF-style: chr6-32007932-A-C.
Other names: c.799A>C, p.Thr267Pro (NM_001128590.4); c.484A>C, p.Thr162Pro (NM_001368143.2, NM_001368144.2); short protein forms T162P, T267P, T297P.
Identifiers: ClinVar variation 5042619 (VCV005042619.1).

ClinVar aggregate classification (germline): Uncertain significance (1 of 4 stars; one submission).

Conditions:
21-Hydroxylase-Deficient Congenital Adrenal Hyperplasia. Also called: ADRENAL HYPERPLASIA III; ADRENAL HYPERPLASIA, CONGENITAL, DUE TO 21-HYDROXYLASE DEFICIENCY. Identifiers: MedGen C2936858, OMIM 201910.

Submission:

Hema, HEMA – Genetic and Molecular Diagnostic Laboratory
Classification: Uncertain significance for 21-Hydroxylase-Deficient Congenital Adrenal Hyperplasia. Last evaluated: 2026-09-07. Review status: criteria provided, single submitter. Criteria: HEMA Variant Classification Assertion Criteria. Collection method: clinical testing. Allele origin: germline.
Comment: The c.889A>C p.(Thr297Pro) variant is a transversion from adenine to cytosine, resulting in the substitution of threonine 297 by tryptophan. PM2_Supporting: Absent in gnomAD. PP3_Moderate: The computational metapredictor REVEL score = 0.803 ≥ 0.773, indicating that the variant would affect the function of CYP21A2.